The following is an entry in ClinVar:

NM_001378452.1(ITPR1):c.8010C>T (p.Tyr2670=)

Gene: ITPR1 (inositol 1,4,5-trisphosphate receptor type 1; plus strand). Cytogenetic location: 3p26.1.
Variant type: single nucleotide variant.
Coding change: c.8010C>T on transcript NM_001378452.1 (MANE Select); coding-DNA position 8010, C replaced by T.
Protein change: p.Tyr2670=; no amino-acid change (tyrosine 2670 retained).
Molecular consequence: synonymous variant.
Genome position (GRCh38, 1-based): chr3:4,818,224, C>T. VCF-style: chr3-4818224-C-T. GRCh37 (hg19) VCF-style: chr3-4859908-C-T.
Other names: c.7866C>T, p.Tyr2622= (NM_001099952.4); c.7965C>T, p.Tyr2655= (NM_001168272.2); c.7821C>T, p.Tyr2607= (NM_002222.7).
Identifiers: ClinVar variation 447605 (VCV000447605.5), dbSNP rs372433483, ClinGen allele CA2233023.

ClinVar aggregate classification (germline): Benign/Likely benign. Review status: criteria provided, multiple submitters, no conflicts (2 of 4 stars). 2 submissions from 2 submitters: Benign (1); Likely benign (1). Last evaluated 2025-03-12.

Allele frequency attached by ClinVar (database versions not stated): TOPMed 0.00005; gnomAD 0.00006; gnomAD exomes 0.00007; ExAC 0.00008; 1000 Genomes Project 30x 0.00016; ESP Exome Variant Server 0.00016; 1000 Genomes Project 0.00020.
gnomAD v4.1: 58 of 1,570,366 alleles (0.0037%); highest among the groups gnomAD compares: African/African-American, 0.015%; no homozygotes.

Submissions (2):

Athena Diagnostics
Classification: Benign. Last evaluated: 2025-03-12. Review status: criteria provided, single submitter. Criteria: Athena Diagnostics Criteria. Collection method: clinical testing. Allele origin: unknown.
Comment: The frequency of this variant in the general population is higher than would generally be expected for pathogenic variants in this gene. Computational tools yielded predictions that this variant is unlikely to have an effect on normal RNA splicing. This nucleotide position exhibits low evolutionary conservation.

Labcorp Genetics (formerly Invitae), Labcorp
Classification: Likely benign. Last evaluated: 2024-01-21. Review status: criteria provided, single submitter. Criteria: Invitae Variant Classification Sherloc (09022015). Collection method: clinical testing. Allele origin: germline.